The following is an entry in ClinVar:

NM_002485.5(NBN):c.1622C>G (p.Ala541Gly)

Gene: NBN (nibrin; minus strand). Cytogenetic location: 8q21.3.
Variant type: single nucleotide variant.
Coding change: c.1622C>G on transcript NM_002485.5 (MANE Select); coding-DNA position 1622, C replaced by G.
Protein change: p.Ala541Gly; replaces alanine 541 with glycine.
Molecular consequence: missense variant.
Genome position (GRCh38, 1-based): chr8:89,953,467, G>C on the plus strand (C>G on the coding strand, the complement: NBN is on the minus strand). VCF-style: chr8-89953467-G-C. GRCh37 (hg19) VCF-style: chr8-90965695-G-C.
Other names: c.1376C>G, p.Ala459Gly (NM_001024688.3); short protein forms A541G, A459G.
Identifiers: ClinVar variation 230316 (VCV000230316.26), dbSNP rs876658501, ClinGen allele CA10578757.

ClinVar aggregate classification (germline): Conflicting classifications of pathogenicity. Review status: criteria provided, conflicting classifications (1 of 4 stars). 7 submissions from 7 submitters: Uncertain significance (5); Likely benign (1). 1 of the submissions does not count toward it. Last evaluated 2024-10-24.

Conditions:
Hereditary cancer-predisposing syndrome. Also called: Neoplastic Syndromes, Hereditary; Tumor predisposition; Hereditary neoplastic syndrome; Hereditary Cancer Syndrome. Identifiers: Orphanet 140162, MedGen C0027672, MeSH D009386, MONDO:0015356.
Aplastic anemia. Identifiers: Orphanet 182040, Orphanet 88, MedGen C0002874, MONDO:0015909, OMIM 609135, HP:0001915.
Microcephaly, normal intelligence and immunodeficiency (NBS). Also called: Nijmegen breakage syndrome; Microcephaly with normal intelligence immunodeficiency and lymphoreticular malignancies; Nonsyndromal microcephaly autosomal recessive with normal intelligence; Seemanova syndrome 2; Immunodeficiency, microcephaly with normal intelligence; Ataxia telangiectasia variant V1. Identifiers: Orphanet 647, MedGen C0398791, MONDO:0009623, OMIM 251260.

gnomAD v4.1: 2 of 1,613,544 alleles (0.00012%); highest among the groups gnomAD compares: Non-Finnish European, 0.00017%; no homozygotes.

Submissions (7):

Labcorp Genetics (formerly Invitae), Labcorp
Classification: Uncertain significance for Microcephaly, normal intelligence and immunodeficiency. Last evaluated: 2024-10-24. Review status: criteria provided, single submitter. Criteria: Invitae Variant Classification Sherloc (09022015). Collection method: clinical testing. Allele origin: germline.
Comment: This sequence change replaces alanine, which is neutral and non-polar, with glycine, which is neutral and non-polar, at codon 541 of the NBN protein (p.Ala541Gly). This variant is not present in population databases (gnomAD no frequency). This variant has not been reported in the literature in individuals affected with NBN-related conditions. ClinVar contains an entry for this variant (Variation ID: 230316). An algorithm developed to predict the effect of missense changes on protein structure and function (PolyPhen-2) suggests that this variant is likely to be tolerated. In summary, the available evidence is currently insufficient to determine the role of this variant in disease. Therefore, it has been classified as a Variant of Uncertain Significance.

Hema, HEMA – Genetic and Molecular Diagnostic Laboratory
Classification: Uncertain significance for Microcephaly, normal intelligence and immunodeficiency. Last evaluated: 2024-10-01. Review status: criteria provided, single submitter. Criteria: HEMA Variant Classification Assertion Criteria. Collection method: clinical testing. Allele origin: germline.
Comment: The c.1622C>G (p.Ala541Gly) variant is a transversion from guanine to cytosine, resulting in the substitution of alanine 541 with glycine in the nibrin protein. PM2_Supporting: Present at very low frequency in gnomAD v4.1.0. BP4_Moderate: The computational metapredictor REVEL score = 0.022 ≤ 0.183, indicating that the variant is not likely to have an effect on the nibrin protein.

Ambry Genetics
Classification: Likely benign for Hereditary cancer-predisposing syndrome. Last evaluated: 2024-03-27. Review status: criteria provided, single submitter. Criteria: Ambry Variant Classification Scheme 2023. Collection method: clinical testing. Allele origin: germline.

Baylor Genetics
Classification: Uncertain significance for Aplastic anemia. Last evaluated: 2023-08-09. Review status: criteria provided, single submitter. Criteria: ACMG Guidelines, 2015. Collection method: clinical testing. Allele origin: unknown.

Genome-Nilou Lab
Classification: Uncertain significance for Microcephaly, normal intelligence and immunodeficiency. Last evaluated: 2021-11-07. Review status: criteria provided, single submitter. Criteria: ACMG Guidelines, 2015. Collection method: clinical testing. Allele origin: germline. Affected: no.

Sema4
Classification: Uncertain significance for Hereditary cancer-predisposing syndrome. Last evaluated: 2021-10-11. Review status: criteria provided, single submitter. Criteria: Sema4 Curation Guidelines. Collection method: curation. Allele origin: germline.
Comment: The NBN c.1622C>G (p.A541G) variant has not been reported in the literature to our knowledge. This variant is not reported in the population database Genome Aggregation Database (PMID: 32461654). This variant has been reported in ClinVar (Variation ID: 230316). In silico tools suggest the impact of the variant on protein function is benign, though these predictions have not been confirmed by functional studies. The evidence is insufficient to meet ACMG/AMP criteria for classifying the variant as benign or pathogenic. Thus, the clinical significance of this variant is currently uncertain.

Natera, Inc.
Classification: Uncertain significance for Nijmegen breakage syndrome. Last evaluated: 2020-10-26. Review status: no assertion criteria provided. Collection method: clinical testing. Allele origin: germline. Not counted in ClinVar's aggregate classification.

Literature cited by the submitters: PubMed 29522266 (cited by Ambry Genetics).